The following is an entry in ClinVar:

ClinVar aggregate classification (germline): Pathogenic (1 of 4 stars; one submission).

Conditions:
GNPTAB-mucolipidosis. Also called: UDP-N-acetylglucosamine-1-phosphotransferase subunit alpha/beta deficiency. Identifiers: MedGen CN322573, MONDO:0100122.

Submission:

Myriad Genetics, Inc.
Classification: Pathogenic for GNPTAB-mucolipidosis. Last evaluated: 2024-09-23. Review status: criteria provided, single submitter. Criteria: Myriad Autosomal Dominant, Autosomal Recessive and X-Linked Classification Criteria (2023). Collection method: clinical testing. Allele origin: unknown.
Comment: NM_024312.4(GNPTAB):c.2566_2570del5(E856Rfs*4) is expected to be pathogenic in the context of GNPTAB-related disorders. This variant is predicted to lead to an abnormal or absent protein product due to the creation of a premature termination codon in GNPTAB, a gene where loss-of-function variants are known to be pathogenic. Please note: this variant was assessed in the context of healthy population screening.

NM_024312.5(GNPTAB):c.2566_2570del (p.Glu856fs)

Gene: GNPTAB (N-acetylglucosamine-1-phosphate transferase subunits alpha and beta; minus strand). Cytogenetic location: 12q23.2.
Variant type: Deletion.
Coding change: c.2566_2570del on transcript NM_024312.5 (MANE Select); coding-DNA positions 2566 to 2570, 5 bases deleted (GAAAA; older notation c.2566_2570delGAAAA).
Protein change: p.Glu856fs; shifts the reading frame from glutamic acid 856.
Molecular consequence: frameshift variant.
Genome position (GRCh38, 1-based): chr12:101,764,347-101,764,351, TTTTC deleted on the plus strand (GAAAA on the coding strand, the reverse complement: GNPTAB is on the minus strand); deleting any 5 consecutive bases within chr12:101,764,347-101,764,354 gives the same sequence; the c. name uses the placement nearest the transcript's 3' end. VCF-style (leftmost placement, unchanged base first): chr12-101764346-TTTTTC-T. GRCh37 (hg19) VCF-style: chr12-102158124-TTTTTC-T.
Other names: short protein forms E856fs.
Identifiers: ClinVar variation 5013573 (VCV005013573.1).